The following is an entry in ClinVar:

ClinVar aggregate classification (germline): Uncertain significance (1 of 4 stars; one submission).

Conditions:
Hereditary breast ovarian cancer syndrome. Also called: Hereditary breast and ovarian cancer; BRCA1- and BRCA2-Associated Hereditary Breast and Ovarian Cancer; Hereditary breast and/or ovarian cancer syndrome; Hereditary breast and ovarian cancer syndrome; Hereditary breast and ovarian cancer syndrome (HBOC); Breast and ovarian cancer. Identifiers: Orphanet 145, MedGen C0677776, MeSH D061325, MONDO:0003582. Disease mechanism: loss of function.

Submission:

Labcorp Genetics (formerly Invitae), Labcorp
Classification: Uncertain significance for Hereditary breast ovarian cancer syndrome. Last evaluated: 2021-07-09. Review status: criteria provided, single submitter. Criteria: Invitae Variant Classification Sherloc (09022015). Collection method: clinical testing. Allele origin: germline.
Comment: This sequence change replaces histidine with leucine at codon 3182 of the BRCA2 protein (p.His3182Leu). The histidine residue is weakly conserved and there is a moderate physicochemical difference between histidine and leucine. This variant is not present in population databases (ExAC no frequency). This variant has not been reported in the literature in individuals with BRCA2-related conditions. Algorithms developed to predict the effect of missense changes on protein structure and function output the following: SIFT: "Tolerated"; PolyPhen-2: "Benign"; Align-GVGD: "Class C15". The leucine amino acid residue is found in multiple mammalian species, suggesting that this missense change does not adversely affect protein function. These predictions have not been confirmed by published functional studies and their clinical significance is uncertain. In summary, the available evidence is currently insufficient to determine the role of this variant in disease. Therefore, it has been classified as a Variant of Uncertain Significance.

NM_000059.4(BRCA2):c.9545A>T (p.His3182Leu)

Gene: BRCA2 (BRCA2 DNA repair associated; plus strand). Cytogenetic location: 13q13.1.
Variant type: single nucleotide variant.
Coding change: c.9545A>T on transcript NM_000059.4 (MANE Select); coding-DNA position 9545, A replaced by T.
Protein change: p.His3182Leu; replaces histidine 3182 with leucine.
Molecular consequence: missense variant.
Genome position (GRCh38, 1-based): chr13:32,396,941, A>T. VCF-style: chr13-32396941-A-T. GRCh37 (hg19) VCF-style: chr13-32971078-A-T.
Other names: short protein forms H3182L.
Identifiers: ClinVar variation 959101 (VCV000959101.10), dbSNP rs1566260129, ClinGen allele CA387763170.
Genomic context (GRCh38, chr13:32,396,941, plus strand): 5'-TCCACTTATTTTCTTAGAATATTGACATACTTTGCAATGAAGCAGAAAACAAGCTTATGC[A>T]TATACTGCATGCAAATGATCCCAAGTGGTCCACCCCAACTAAAGACTGTACTTCAGGGCC-3'
Protein context (NP_000050.3, residues 3172-3192): LCNEAENKLM[His3182Leu]ILHANDPKWS